The following is an entry in ClinVar:

ClinVar aggregate classification (germline): Conflicting classifications of pathogenicity. Review status: criteria provided, conflicting classifications (1 of 4 stars). 5 submissions from 5 submitters: Uncertain significance (3); Likely benign (1). 1 of the submissions does not count toward it. Last evaluated 2025-10-12.

Conditions:
Inborn genetic diseases. Identifiers: MedGen C0950123, MeSH D030342.
Schimke immuno-osseous dysplasia (SIOD). Also called: Schimke Immunoosseous Dysplasia. Identifiers: Orphanet 1830, MedGen C0877024, MONDO:0009458, OMIM 242900.

Allele frequency attached by ClinVar (database versions not stated): gnomAD exomes 0.00003 and 0.00010; ExAC 0.00012; 1000 Genomes Project 0.00020; gnomAD 0.00037 and 0.00042; TOPMed 0.00041; ESP Exome Variant Server 0.00046; 1000 Genomes Project 30x 0.00062.
gnomAD v4.1: 105 of 1,613,998 alleles (0.0065%); highest among the groups gnomAD compares: African/African-American, 0.13%; no homozygotes.

Submissions (5):

Labcorp Genetics (formerly Invitae), Labcorp
Classification: Likely benign for Schimke immuno-osseous dysplasia. Last evaluated: 2025-10-12. Review status: criteria provided, single submitter. Criteria: Invitae Variant Classification Sherloc (09022015). Collection method: clinical testing. Allele origin: germline.

Fulgent Genetics
Classification: Uncertain significance for Schimke immuno-osseous dysplasia. Last evaluated: 2024-05-31. Review status: criteria provided, single submitter. Criteria: ACMG Guidelines, 2015. Collection method: clinical testing. Allele origin: germline.

Ambry Genetics
Classification: Uncertain significance for Inborn genetic diseases. Last evaluated: 2024-01-09. Review status: criteria provided, single submitter. Criteria: Ambry Variant Classification Scheme 2023. Collection method: clinical testing. Allele origin: germline.

GeneDx
Classification: Uncertain significance. Last evaluated: 2017-04-17. Review status: criteria provided, single submitter. Criteria: GeneDx Variant Classification (06012015). Collection method: clinical testing. Allele origin: germline. Affected: yes.
Comment: The I576T variant in the SMARCAL1 gene has not been reported previously as a pathogenic variant, nor as a benign variant, to our knowledge. The I576T variant is observed in 14/10400 (0.13%) alleles from individuals of African background, in large population cohorts (Lek et al., 2016; 1000 Genomes Consortium et al., 2015; Exome Variant Server). The I576T variant is a non-conservative amino acid substitution, which is likely to impact secondary protein structure as these residues differ in polarity, charge, size and/or other properties. This substitution occurs at a position where amino acids with similar properties to Isoleucine are tolerated across species. In silico analysis predicts this variant is probably damaging to the protein structure/function. We interpret I576T as a variant of uncertain significance.

Natera, Inc.
Classification: Uncertain significance for Schimke immuno-osseous dysplasia. Last evaluated: 2019-11-11. Review status: no assertion criteria provided. Collection method: clinical testing. Allele origin: germline. Not counted in ClinVar's aggregate classification.

NM_014140.4(SMARCAL1):c.1727T>C (p.Ile576Thr)

Gene: SMARCAL1 (SNF2 related chromatin remodeling annealing helicase 1; plus strand). Cytogenetic location: 2q35.
Variant type: single nucleotide variant.
Coding change: c.1727T>C on transcript NM_014140.4 (MANE Select); coding-DNA position 1727, T replaced by C.
Protein change: p.Ile576Thr; replaces isoleucine 576 with threonine.
Molecular consequence: missense variant.
Genome position (GRCh38, 1-based): chr2:216,447,034, T>C. VCF-style: chr2-216447034-T-C. GRCh37 (hg19) VCF-style: chr2-217311757-T-C.
Other names: c.1727T>C, p.Ile576Thr (NM_001127207.2); short protein forms I576T.
Identifiers: ClinVar variation 426426 (VCV000426426.14), dbSNP rs138819354, ClinGen allele CA2097993.